The following is an entry in ClinVar:

NM_007247.6(SYNRG):c.612C>T (p.Phe204=)

Gene: SYNRG (synergin gamma; minus strand). Cytogenetic location: 17q12.
Variant type: single nucleotide variant.
Coding change: c.612C>T on transcript NM_007247.6 (MANE Select); coding-DNA position 612, C replaced by T.
Protein change: p.Phe204=; no amino-acid change (phenylalanine 204 retained).
Molecular consequence: synonymous variant. On other transcripts: intron variant (6).
Genome position (GRCh38, 1-based): chr17:37,577,591, G>A on the plus strand (C>T on the coding strand, the complement: SYNRG is on the minus strand). VCF-style: chr17-37577591-G-A. GRCh37 (hg19) VCF-style: chr17-35937689-G-A.
Other names: c.915C>T, p.Phe305= (NM_001405103.1); c.587-1173C>T (NM_001163545.3); c.590-1173C>T (NM_001163547.3, NM_001163546.3, NM_080550.5 and 2 more transcripts).
Identifiers: ClinVar variation 3046909 (VCV003046909.2), dbSNP rs2060938692, ClinGen allele CA499603903.

ClinVar aggregate classification (germline): Likely benign (0 of 4 stars; one submission).

Conditions:
SYNRG-related disorder. Also called: SYNRG-related condition.

Allele frequency attached by ClinVar (database versions not stated): gnomAD exomes below 0.00001; TOPMed below 0.00001.
gnomAD v4.1: 4 of 1,613,902 alleles (0.00025%); highest among the groups gnomAD compares: Non-Finnish European, 0.00025%; no homozygotes.

Submission:

PreventionGenetics, part of Exact Sciences
Classification: Likely benign for SYNRG-related condition. Last evaluated: 2019-02-22. Review status: no assertion criteria provided. Collection method: clinical testing. Allele origin: germline.
Comment: This variant is classified as likely benign based on ACMG/AMP sequence variant interpretation guidelines (Richards et al. 2015 PMID: 25741868, with internal and published modifications).